The following is an entry in ClinVar:

NM_000075.4(CDK4):c.119C>A (p.Pro40His)

Genes: CDK4 (cyclin dependent kinase 4; minus strand), LOC130008148 (ATAC-STARR-seq lymphoblastoid silent region 4588; plus strand). Cytogenetic location: 12q14.1.
Variant type: single nucleotide variant.
Coding change: c.119C>A on transcript NM_000075.4 (MANE Select); coding-DNA position 119, C replaced by A.
Protein change: p.Pro40His; replaces proline 40 with histidine.
Molecular consequence: missense variant.
Genome position (GRCh38, 1-based): chr12:57,751,599, G>T on the plus strand (C>A on the coding strand, the complement: CDK4 is on the minus strand). VCF-style: chr12-57751599-G-T. GRCh37 (hg19) VCF-style: chr12-58145382-G-T.
Other names: short protein forms P40H.
Identifiers: ClinVar variation 1427826 (VCV001427826.8), dbSNP rs376139539, ClinGen allele CA237844572.

ClinVar aggregate classification (germline): Uncertain significance (1 of 4 stars; one submission).

Conditions:
Familial melanoma. Also called: Hereditary melanoma; Hereditary cutaneous melanoma. Identifiers: Orphanet 618, MedGen C1512419, MONDO:0018961.

Allele frequency attached by ClinVar (database versions not stated): TOPMed 0.00001; ESP Exome Variant Server 0.00008.

Submission:

Labcorp Genetics (formerly Invitae), Labcorp
Classification: Uncertain significance for Familial melanoma. Last evaluated: 2021-02-03. Review status: criteria provided, single submitter. Criteria: Invitae Variant Classification Sherloc (09022015). Collection method: clinical testing. Allele origin: germline.
Comment: In summary, the available evidence is currently insufficient to determine the role of this variant in disease. Therefore, it has been classified as a Variant of Uncertain Significance. Advanced modeling of protein sequence and biophysical properties (such as structural, functional, and spatial information, amino acid conservation, physicochemical variation, residue mobility, and thermodynamic stability) performed at Invitae indicates that this missense variant is not expected to disrupt CDK4 protein function. This variant has not been reported in the literature in individuals with CDK4-related conditions. This variant is not present in population databases (ExAC no frequency). This sequence change replaces proline with histidine at codon 40 of the CDK4 protein (p.Pro40His). The proline residue is moderately conserved and there is a moderate physicochemical difference between proline and histidine.